The following is an entry in ClinVar:

NM_001134831.2(AHI1):c.1786C>T (p.Arg596Cys)

Gene: AHI1 (Abelson helper integration site 1; minus strand). Cytogenetic location: 6q23.3.
Variant type: single nucleotide variant.
Coding change: c.1786C>T on transcript NM_001134831.2 (MANE Select); coding-DNA position 1786, C replaced by T.
Protein change: p.Arg596Cys; replaces arginine 596 with cysteine.
Molecular consequence: missense variant.
Genome position (GRCh38, 1-based): chr6:135,442,708, G>A on the plus strand (C>T on the coding strand, the complement: AHI1 is on the minus strand). VCF-style: chr6-135442708-G-A. GRCh37 (hg19) VCF-style: chr6-135763846-G-A.
Other names: c.1786C>T (NM_017651.4); c.1786C>T, p.Arg596Cys (NM_001134830.2, NM_001134832.2, NM_001350503.2 and 2 more transcripts); short protein forms R596C.
Identifiers: ClinVar variation 1035724 (VCV001035724.7), dbSNP rs375309864, ClinGen allele CA4012507.
Genomic context (GRCh38, chr6:135,442,708, plus strand): 5'-CAAGACAAAAACATCCTCGTTCTCCTGCATTTAGTGAGAAGAGGTGTTTGTTTGGGATAC[G>A]GCAAGCCTAAAAAACATACGTTTAAAAAATATAAATTAGCAAACATTAAAACGCGAAGGC-3'
Protein context (NP_001128303.1, residues 586-606): KWKRLPGQAC[Arg596Cys]IPNKHLFSLN

ClinVar aggregate classification (germline): Uncertain significance. Review status: criteria provided, multiple submitters, no conflicts (2 of 4 stars). 2 submissions from 2 submitters: Uncertain significance (2). Last evaluated 2025-10-17.

Conditions:
Inborn genetic diseases. Identifiers: MedGen C0950123, MeSH D030342.
Joubert syndrome. Also called: Familial aplasia of the vermis; CEREBELLOPARENCHYMAL DISORDER IV; JOUBERT-BOLTSHAUSER SYNDROME. Identifiers: Orphanet 475, MedGen C5979921, MONDO:0018772.

Allele frequency attached by ClinVar (database versions not stated): gnomAD 0.00001; gnomAD exomes 0.00001; ExAC 0.00002; TOPMed 0.00002; ESP Exome Variant Server 0.00008.

Submissions (2):

Ambry Genetics
Classification: Uncertain significance for Inborn genetic diseases. Last evaluated: 2025-10-17. Review status: criteria provided, single submitter. Criteria: Ambry Variant Classification Scheme 2023. Collection method: clinical testing. Allele origin: germline.

Labcorp Genetics (formerly Invitae), Labcorp
Classification: Uncertain significance for Joubert syndrome. Last evaluated: 2021-09-01. Review status: criteria provided, single submitter. Criteria: Invitae Variant Classification Sherloc (09022015). Collection method: clinical testing. Allele origin: germline.
Comment: This sequence change replaces arginine with cysteine at codon 596 of the AHI1 protein (p.Arg596Cys). The arginine residue is moderately conserved and there is a large physicochemical difference between arginine and cysteine. This variant is present in population databases (rs375309864, ExAC 0.003%). This variant has not been reported in the literature in individuals affected with AHI1-related conditions. Algorithms developed to predict the effect of missense changes on protein structure and function are either unavailable or do not agree on the potential impact of this missense change (SIFT: "Deleterious"; PolyPhen-2: "Probably Damaging"; Align-GVGD: "Class C0"). In summary, the available evidence is currently insufficient to determine the role of this variant in disease. Therefore, it has been classified as a Variant of Uncertain Significance.